The following is an entry in ClinVar:

NM_020778.4(ALPK3):c.80C>T (p.Pro27Leu)

Gene: ALPK3 (alpha kinase 3; plus strand). Cytogenetic location: 15q25.3.
Variant type: single nucleotide variant.
Coding change: c.80C>T on transcript NM_020778.4; coding-DNA position 80, C replaced by T.
Protein change: p.Pro27Leu; replaces proline 27 with leucine.
Genome position (GRCh38, 1-based): chr15:84,816,926, C>T. VCF-style: chr15-84816926-C-T. GRCh37 (hg19) VCF-style: chr15-85360157-C-T.
Other names: short protein forms P27L.
Identifiers: ClinVar variation 1761992 (VCV001761992.2), dbSNP rs1349505201, ClinGen allele CA393368041.
Genomic context (GRCh38, chr15:84,816,926, plus strand): 5'-TCTATGTGCTGGGCCAACAGCCACTGGCGAGGCAAGGCGAGGGTCAGTCACGGCTGGTGC[C>T]AGGAAGAGGGCTGGTTCTTTGGCTCCCTGGTCTCCCGCGGTCTAGCCCAAGCTGGCCAGC-3'

ClinVar aggregate classification (germline): Uncertain significance (1 of 4 stars; one submission).

Conditions:
Cardiovascular phenotype. Identifiers: MedGen CN230736.

Submission:

Ambry Genetics
Classification: Uncertain significance for Cardiovascular phenotype. Last evaluated: 2019-09-23. Review status: criteria provided, single submitter. Criteria: Ambry Variant Classification Scheme 2023. Collection method: clinical testing. Allele origin: germline.
Comment: The p.P27L variant (also known as c.80C>T), located in coding exon 1 of the ALPK3 gene, results from a C to T substitution at nucleotide position 80. The proline at codon 27 is replaced by leucine, an amino acid with similar properties. This amino acid position is well conserved in available vertebrate species; however, leucine is the reference amino acid in other vertebrate species. In addition, this alteration is predicted to be tolerated by in silico analysis. Since supporting evidence is limited at this time, the clinical significance of this alteration remains unclear.